The following is an entry in ClinVar:

ClinVar aggregate classification (germline): Uncertain significance (1 of 4 stars; one submission).

Submission:

Labcorp Genetics (formerly Invitae), Labcorp
Classification: Uncertain significance. Last evaluated: 2024-08-24. Review status: criteria provided, single submitter. Criteria: Invitae Variant Classification Sherloc (09022015). Collection method: clinical testing. Allele origin: germline.
Comment: This sequence change replaces arginine, which is basic and polar, with lysine, which is basic and polar, at codon 95 of the DDX3X protein (p.Arg95Lys). This variant also falls at the last nucleotide of exon 4, which is part of the consensus splice site for this exon. This variant is not present in population databases (gnomAD no frequency). This variant has not been reported in the literature in individuals affected with DDX3X-related conditions. Experimental studies and prediction algorithms are not available or were not evaluated, and the functional significance of this variant is currently unknown. Variants that disrupt the consensus splice site are a relatively common cause of aberrant splicing (PMID: 17576681, 9536098). In summary, the available evidence is currently insufficient to determine the role of this variant in disease. Therefore, it has been classified as a Variant of Uncertain Significance.

Literature cited by the submitters: PubMed 17576681; PubMed 9536098.

NM_001356.5(DDX3X):c.284G>A (p.Arg95Lys)

Gene: DDX3X (DEAD-box helicase 3 X-linked; plus strand). Cytogenetic location: Xp11.4.
Variant type: single nucleotide variant.
Coding change: c.284G>A on transcript NM_001356.5 (MANE Select); coding-DNA position 284, G replaced by A.
Protein change: p.Arg95Lys; replaces arginine 95 with lysine.
Molecular consequence: missense variant. On other transcripts: 5 prime UTR variant (1), non-coding transcript variant (1).
Genome position (GRCh38, 1-based): chrX:41,341,616, G>A. VCF-style: chrX-41341616-G-A. GRCh37 (hg19) VCF-style: chrX-41200869-G-A.
Other names: c.284G>A, p.Arg95Lys (NM_001193416.3); c.236G>A, p.Arg79Lys (NM_001193417.3); c.-275G>A (NM_001363819.1); short protein forms R79K, R95K.
Identifiers: ClinVar variation 3663366 (VCV003663366.2).